The following is an entry in ClinVar:

NM_001220.5(CAMK2B):c.55G>T (p.Asp19Tyr)

Gene: CAMK2B (calcium/calmodulin dependent protein kinase II beta; minus strand). Cytogenetic location: 7p13.
Variant type: single nucleotide variant.
Coding change: c.55G>T on transcript NM_001220.5 (MANE Select); coding-DNA position 55, G replaced by T.
Protein change: p.Asp19Tyr; replaces aspartic acid 19 with tyrosine.
Molecular consequence: missense variant.
Genome position (GRCh38, 1-based): chr7:44,325,367, C>A on the plus strand (G>T on the coding strand, the complement: CAMK2B is on the minus strand). VCF-style: chr7-44325367-C-A. GRCh37 (hg19) VCF-style: chr7-44364966-C-A.
Other names: c.55G>T, p.Asp19Tyr (NM_001293170.2, NM_172078.3, NM_172079.3 and 5 more transcripts); short protein forms D19Y.
Identifiers: ClinVar variation 4976319 (VCV004976319.1).

ClinVar aggregate classification (germline): Uncertain significance (1 of 4 stars; one submission).

gnomAD v4.1: 1 of 1,246,894 alleles (0.00008%); highest among the groups gnomAD compares: South Asian, 0.0016%; no homozygotes.

Submission:

GeneDx
Classification: Uncertain significance. Last evaluated: 2026-02-05. Review status: criteria provided, single submitter. Criteria: GeneDx Variant Classification Process June 2021. Collection method: clinical testing. Allele origin: germline.
Comment: Not observed at significant frequency in large population cohorts (gnomAD); In silico analysis supports that this missense variant has a deleterious effect on protein structure/function; Has not been previously published as pathogenic or benign to our knowledge; In silico analysis suggests this variant may impact gene splicing. In the absence of RNA/functional studies, the actual effect of this sequence change is unknown.